The following is an entry in ClinVar:

ClinVar aggregate classification (germline): Pathogenic (1 of 4 stars; one submission).

Conditions:
Autosomal dominant nonsyndromic hearing loss 64. Identifiers: Orphanet 90635, MedGen C3279948, MONDO:0013593, OMIM 614152.

Submission:

Precision Medicine Center, Zhengzhou University
Classification: Pathogenic for Autosomal dominant nonsyndromic hearing loss 64. Last evaluated: 2006-06-30. Review status: criteria provided, single submitter. Criteria: ClinGen HL ACMG Specifications v1. Collection method: clinical testing. Allele origin: maternal. Affected: yes.
Comment: PVS1+PM2:The DIABLO c.64_67del variant is a frameshift deletion predicted to result in a premature termination codon and loss of normal protein function via nonsense-mediated decay (PVS1). The variant is absent or extremely rare in population databases (PM2). According to the ACMG/AMP guidelines, and assuming loss of function is a known disease mechanism for DIABLO-related hearing loss, this variant is classified as Pathogenic.

NM_001371333.1(DIABLO):c.223_226del (p.Arg75fs)

Gene: DIABLO (diablo IAP-binding mitochondrial protein; minus strand). Cytogenetic location: 12q24.31.
Variant type: Deletion.
Coding change: c.223_226del on transcript NM_001371333.1 (MANE Select); coding-DNA positions 223 to 226, 4 bases deleted (AGGA; older notation c.223_226delAGGA).
Protein change: p.Arg75fs; shifts the reading frame from arginine 75.
Molecular consequence: frameshift variant. On other transcripts: intron variant (2).
Genome position (GRCh38, 1-based): chr12:122,218,355-122,218,358, TCCT deleted on the plus strand (AGGA on the coding strand, the reverse complement: DIABLO is on the minus strand). VCF-style (leftmost placement, unchanged base first): chr12-122218354-CTCCT-C. GRCh37 (hg19) VCF-style: chr12-122702901-CTCCT-C.
Other names: c.4_7del, p.Arg2fs (NM_001278303.1); c.64_67del, p.Arg22fs (NM_001278304.2, NM_138930.3); c.223_226del, p.Arg75fs (NM_019887.6); c.184-1489_184-1486del (NM_001278342.1); c.25-1489_25-1486del (NM_001278302.1); short protein forms R22fs, R2fs, R75fs.
Identifiers: ClinVar variation 4857399 (VCV004857399.1).